The following is an entry in ClinVar:

ClinVar aggregate classification (germline): Uncertain significance. Review status: criteria provided, multiple submitters, no conflicts (2 of 4 stars). 2 submissions from 2 submitters: Uncertain significance (2). Last evaluated 2024-10-02.

Conditions:
Neuronal ceroid lipofuscinosis 15. Also called: Neurodegeneration, childhood-onset, with hypotonia, respiratory insufficiency, and brain imaging abnormalities; Neurodegeneration, childhood-onset, hypotonia, respiratory insufficiency and brain imaging abnormalities. Identifiers: Orphanet 610573, MedGen C5543020, MONDO:0030947, OMIM 619173.

Submissions (2):

Revvity Omics, Revvity
Classification: Uncertain significance for Neuronal ceroid lipofuscinosis 15. Last evaluated: 2024-10-02. Review status: criteria provided, single submitter. Criteria: ACMG Guidelines, 2015. Collection method: clinical testing. Allele origin: germline.

Labcorp Genetics (formerly Invitae), Labcorp
Classification: Uncertain significance. Last evaluated: 2023-11-15. Review status: criteria provided, single submitter. Criteria: Invitae Variant Classification Sherloc (09022015). Collection method: clinical testing. Allele origin: germline.
Comment: This sequence change replaces glutamine, which is neutral and polar, with arginine, which is basic and polar, at codon 107 of the CLCN6 protein (p.Gln107Arg). This variant is not present in population databases (gnomAD no frequency). This variant has not been reported in the literature in individuals affected with CLCN6-related conditions. An algorithm developed to predict the effect of missense changes on protein structure and function (PolyPhen-2) suggests that this variant is likely to be tolerated. In summary, the available evidence is currently insufficient to determine the role of this variant in disease. Therefore, it has been classified as a Variant of Uncertain Significance.

NM_001286.5(CLCN6):c.320A>G (p.Gln107Arg)

Gene: CLCN6 (Cl-/H+ antiporter 6; plus strand). Cytogenetic location: 1p36.22.
Variant type: single nucleotide variant.
Coding change: c.320A>G on transcript NM_001286.5 (MANE Select); coding-DNA position 320, A replaced by G.
Protein change: p.Gln107Arg; replaces glutamine 107 with arginine.
Molecular consequence: missense variant. On other transcripts: non-coding transcript variant (1).
Genome position (GRCh38, 1-based): chr1:11,819,528, A>G. VCF-style: chr1-11819528-A-G. GRCh37 (hg19) VCF-style: chr1-11879585-A-G.
Other names: c.254A>G, p.Gln85Arg (NM_001256959.2); c.320A>G (NM_001286.4); short protein forms Q85R, Q107R.
Identifiers: ClinVar variation 2779467 (VCV002779467.4), dbSNP rs2523084510, ClinGen allele CA338426545.